The following is an entry in ClinVar:

ClinVar aggregate classification (germline): Uncertain significance (1 of 4 stars; one submission).

gnomAD v4.1: 14 of 1,614,078 alleles (0.00087%); highest among the groups gnomAD compares: Middle Eastern, 0.016%; no homozygotes.

Submission:

Labcorp Genetics (formerly Invitae), Labcorp
Classification: Uncertain significance. Last evaluated: 2024-02-24. Review status: criteria provided, single submitter. Criteria: Invitae Variant Classification Sherloc (09022015). Collection method: clinical testing. Allele origin: germline.
Comment: This sequence change replaces glycine, which is neutral and non-polar, with arginine, which is basic and polar, at codon 312 of the TMPRSS3 protein (p.Gly312Arg). This variant is present in population databases (rs745895791, gnomAD 0.003%). This variant has not been reported in the literature in individuals affected with TMPRSS3-related conditions. Advanced modeling of protein sequence and biophysical properties (such as structural, functional, and spatial information, amino acid conservation, physicochemical variation, residue mobility, and thermodynamic stability) performed at Invitae indicates that this missense variant is not expected to disrupt TMPRSS3 protein function with a negative predictive value of 95%. In summary, the available evidence is currently insufficient to determine the role of this variant in disease. Therefore, it has been classified as a Variant of Uncertain Significance.

NM_001256317.3(TMPRSS3):c.934G>A (p.Gly312Arg)

Gene: TMPRSS3 (transmembrane serine protease 3; minus strand). Cytogenetic location: 21q22.3.
Variant type: single nucleotide variant.
Coding change: c.934G>A on transcript NM_001256317.3 (MANE Select); coding-DNA position 934, G replaced by A.
Protein change: p.Gly312Arg; replaces glycine 312 with arginine.
Molecular consequence: missense variant.
Genome position (GRCh38, 1-based): chr21:42,382,083, C>T on the plus strand (G>A on the coding strand, the complement: TMPRSS3 is on the minus strand). VCF-style: chr21-42382083-C-T. GRCh37 (hg19) VCF-style: chr21-43802192-C-T.
Other names: c.934G>A, p.Gly312Arg (NM_024022.4, NM_032405.2); c.553G>A, p.Gly185Arg (NM_032404.3); short protein forms G185R, G312R.
Identifiers: ClinVar variation 3685613 (VCV003685613.2).